The following is an entry in ClinVar:

NM_000543.5(SMPD1):c.1430C>T (p.Pro477Leu)

Gene: SMPD1 (sphingomyelin phosphodiesterase 1; plus strand). Cytogenetic location: 11p15.4.
Variant type: single nucleotide variant.
Coding change: c.1430C>T on transcript NM_000543.5 (MANE Select); coding-DNA position 1430, C replaced by T.
Protein change: p.Pro477Leu; replaces proline 477 with leucine.
Molecular consequence: missense variant. On other transcripts: non-coding transcript variant (2).
Genome position (GRCh38, 1-based): chr11:6,393,985, C>T. VCF-style: chr11-6393985-C-T. GRCh37 (hg19) VCF-style: chr11-6415215-C-T.
Other names: c.1427C>T, p.Pro476Leu (NM_001007593.3); c.1430C>T, p.Pro477Leu (NM_001318087.2); c.509C>T, p.Pro170Leu (NM_001318088.2); c.1298C>T, p.Pro433Leu (NM_001365135.2); short protein forms P477L, P433L, P170L, P476L.
Identifiers: ClinVar variation 189075 (VCV000189075.29), dbSNP rs753508874, ClinGen allele CA274348.

ClinVar aggregate classification (germline): Pathogenic/Likely pathogenic. Review status: criteria provided, multiple submitters, no conflicts (2 of 4 stars). 13 submissions from 13 submitters: Pathogenic (9); Likely pathogenic (2). 2 of the submissions do not count toward it. Last evaluated 2026-05-08.

Conditions:
SMPD1-related disorder. Also called: SMPD1-related condition.
Niemann-Pick disease, type B. Also called: Chronic Visceral ASMD (Niemann-Pick Disease Type B; NPD-B). Identifiers: Orphanet 77293, MedGen C0268243, MONDO:0011871, OMIM 607616. Disease mechanism: loss of function.
Niemann-Pick disease, type A. Also called: SPHINGOMYELIN LIPIDOSIS; SPHINGOMYELINASE DEFICIENCY; Infantile Neurovisceral ASMD (Niemann-Pick Disease Type A; NPD-A). Identifiers: Orphanet 77292, MedGen C0268242, MONDO:0009756, OMIM 257200. Disease mechanism: loss of function.
Sphingomyelin/cholesterol lipidosis. Also called: Niemann-Pick disease. Identifiers: MedGen C0028064, MONDO:0001982.

Allele frequency attached by ClinVar (database versions not stated): TOPMed 0.00001; ExAC 0.00002; gnomAD exomes 0.00002.

Submissions (13):

PreventionGenetics, part of Exact Sciences
Classification: Pathogenic for SMPD1-related condition. Last evaluated: 2026-05-08. Review status: criteria provided, single submitter. Criteria: ACMG Guidelines, 2015. Collection method: clinical testing. Allele origin: germline.
Comment: The SMPD1 c.1430C>T variant is predicted to result in the amino acid substitution p.Pro477Leu. This variant, also known as p.Pro475Leu, has been reported in the compound heterozygous or homozygous state in multiple individuals with Niemann-Pick disease (Sikora et al. 2003. PubMed ID: 12556236; Wasserstein et al. 2006. PubMed ID: 17011332; Hollak et al. 2012. PubMed ID: 22818240). This variant is reported in 0.0085% of alleles in individuals of Latino descent in gnomAD. This variant is interpreted as pathogenic.

Natera, Inc.
Classification: Pathogenic for Niemann-Pick Disease, Types A/B. Last evaluated: 2025-09-19. Review status: criteria provided, single submitter. Criteria: Natera Variant Classification Schema (03/2026). Collection method: clinical testing. Allele origin: germline.
Comment: The c.1430C>T variant in SMPD1 is a missense variant predicted to cause substitution of proline to leucine at amino acid 477. This variant is rare in the general population with a frequency below the threshold expected for the associated phenotype(s). This variant has been observed in one or more individuals affected with the associated recessive disease, as either homozygous or compound heterozygous with a second variant (PMID: 12556236). Computational prediction algorithms indicate this variant is likely to affect gene or protein function. Given the available evidence, this variant is classified as Pathogenic.

Labcorp Genetics (formerly Invitae), Labcorp
Classification: Pathogenic for Niemann-Pick disease, type B; Niemann-Pick disease, type A. Last evaluated: 2025-05-22. Review status: criteria provided, single submitter. Criteria: Invitae Variant Classification Sherloc (09022015). Collection method: clinical testing. Allele origin: germline.
Comment: This sequence change replaces proline, which is neutral and non-polar, with leucine, which is neutral and non-polar, at codon 477 of the SMPD1 protein (p.Pro477Leu). This variant is present in population databases (rs753508874, gnomAD 0.009%). This missense change has been observed in individual(s) with Niemann-Pick disease (PMID: 12556236, 12712061, 15221801, 17011332, 22818240). This variant is also known as P475L. ClinVar contains an entry for this variant (Variation ID: 189075). Invitae Evidence Modeling of protein sequence and biophysical properties (such as structural, functional, and spatial information, amino acid conservation, physicochemical variation, residue mobility, and thermodynamic stability) indicates that this missense variant is expected to disrupt SMPD1 protein function with a positive predictive value of 95%. This variant disrupts the p.Pro477 amino acid residue in SMPD1. Other variant(s) that disrupt this residue have been observed in individuals with SMPD1-related conditions (PMID: 27338287), which suggests that this may be a clinically significant amino acid residue. For these reasons, this variant has been classified as Pathogenic.

Mayo Clinic Laboratories, Mayo Clinic
Classification: Pathogenic. Last evaluated: 2024-10-16. Review status: criteria provided, single submitter. Criteria: ACMG Guidelines, 2015. Collection method: clinical testing. Allele origin: germline. Observed: 1 variant allele.
Comment: PP1, PP3_strong, PP4, PM2_supporting, PM3_very_strong, PS4

Fulgent Genetics
Classification: Pathogenic for Niemann-Pick disease, type A; Niemann-Pick disease, type B. Last evaluated: 2024-06-07. Review status: criteria provided, single submitter. Criteria: ACMG Guidelines, 2015. Collection method: clinical testing. Allele origin: germline.

Institute of Human Genetics, University of Leipzig Medical Center
Classification: Pathogenic for Niemann-Pick disease, type A. Last evaluated: 2023-06-21. Review status: criteria provided, single submitter. Criteria: ACMG Guidelines, 2015. Collection method: clinical testing. Allele origin: unknown. Inheritance: Autosomal recessive inheritance. Affected: yes.
Comment: Criteria applied: PM3_VSTR,PM2_SUP,PP3,PP4

Revvity Omics, Revvity
Classification: Likely pathogenic. Last evaluated: 2021-08-10. Review status: criteria provided, single submitter. Criteria: ACMG Guidelines, 2015. Collection method: clinical testing. Allele origin: germline.

Blueprint Genetics
Classification: Pathogenic for SMPD1-related disorders. Last evaluated: 2021-04-08. Review status: criteria provided, single submitter. Criteria: ACMG Guidelines, 2015. Collection method: clinical testing. Allele origin: germline. Affected: yes. Observed: 3 variant alleles.

GeneDx
Classification: Likely pathogenic. Last evaluated: 2020-03-20. Review status: criteria provided, single submitter. Criteria: GeneDx Variant Classification Process June 2021. Collection method: clinical testing. Allele origin: germline. Affected: yes.
Comment: Not observed at a significant frequency in large population cohorts (Lek et al., 2016); Missense variants in this gene are often considered pathogenic (Stenson et al., 2014); In silico analysis supports that this missense variant has a deleterious effect on protein structure/function; This variant is associated with the following publications: (PMID: 17011332, 22818240, 12369017, 12556236, 15221801, 12712061, 30202406, 30548430)

Broad Center for Mendelian Genomics, Broad Institute of MIT and Harvard
Classification: Pathogenic for Sphingomyelin/cholesterol lipidosis. Last evaluated: 2020-01-22. Review status: criteria provided, single submitter. Criteria: ACMG Guidelines, 2015. Collection method: curation. Allele origin: germline. Inheritance: Autosomal recessive inheritance.
Comment: The p.Pro477Leu variant in SMPD1 (also known as p.Pro475Leu due to a difference in cDNA numbering) has been reported in at least 9 individuals with Niemann-Pick disease, segregated with disease in 4 affected relatives from 2 families (PMID: 15221801, 12712061, 15234149, 17011332, 22818240), and has been identified in 0.008% (3/35438) of Latino chromosomes, 0.003% (1/30614) of South Asian chromosomes, and 0.002% (2/129190) of European (non-Finnish) chromosomes by the Genome Aggregation Database (gnomAD; dbSNP rs753508874). Although this variant has been seen in the general population, its frequency is low enough to be consistent with a recessive carrier frequency. This variant has also been reported in ClinVar (VariationID: 189075) as likely pathogenic by Counsyl and GeneDx. Computational prediction tools and conservation analyses suggest that this variant may impact the protein, though this information is not predictive enough to determine pathogenicity. The phenotype of individuals homozygous and compound heterozygous for this variant is highly specific for Niemann-Pick disease based on acid sphingomyelinase activity being <10% of normal, consistent with disease (PMID: 22818240). In summary, this variant meets criteria to be classified as pathogenic for Niemann-Pick disease in an autosomal recessive manner based on its presence in combination with reported pathogenic variants, its presence in individuals with a phenotype highly specific for Niemann-Pick disease, and co-segregation with disease. ACMG/AMP Criteria applied: PM3_very-strong, PM2, PP3, PP4, PP1 (Richards 2015).

Baylor Genetics
Classification: Pathogenic for Niemann-Pick disease, type A. Review status: criteria provided, single submitter. Criteria: ACMG Guidelines, 2015. Collection method: clinical testing. Allele origin: germline.

Biochemical Molecular Genetic Laboratory, King Abdulaziz Medical City
Classification: Likely pathogenic for Niemann-Pick disease, type A. Last evaluated: 2019-09-26. Review status: no assertion criteria provided. Collection method: clinical testing. Allele origin: germline. Affected: yes. Not counted in ClinVar's aggregate classification.

Counsyl
Classification: Likely pathogenic for Niemann-Pick disease, type A. Last evaluated: 2014-11-26. Review status: no assertion criteria provided. Collection method: literature only. Allele origin: unknown. Inheritance: Autosomal recessive inheritance. Not counted in ClinVar's aggregate classification.

Literature cited by the submitters: PubMed 12556236 (cited by 4 submitters); PubMed 12712061 (cited by 4 submitters); PubMed 15221801 (cited by 4 submitters); PubMed 17011332 (cited by 4 submitters); PubMed 22818240 (cited by 4 submitters); PubMed 27338287 (cited by Labcorp Genetics (formerly Invitae), Labcorp); PubMed 12369017 (cited by Mayo Clinic Laboratories, Mayo Clinic and Counsyl); PubMed 15234149 (cited by Mayo Clinic Laboratories, Mayo Clinic and Broad Center for Mendelian Genomics, Broad Institute of MIT and Harvard); PubMed 26499107 (cited by Mayo Clinic Laboratories, Mayo Clinic); PubMed 30202406 (cited by Mayo Clinic Laboratories, Mayo Clinic); PubMed 30548430 (cited by Mayo Clinic Laboratories, Mayo Clinic); PubMed 34867278 (cited by Mayo Clinic Laboratories, Mayo Clinic); PubMed 38782304 (cited by Mayo Clinic Laboratories, Mayo Clinic); PubMed 39177062 (cited by Mayo Clinic Laboratories, Mayo Clinic).